The following is an entry in ClinVar:

ClinVar aggregate classification (germline): Conflicting classifications of pathogenicity. Review status: criteria provided, conflicting classifications (1 of 4 stars). 5 submissions from 5 submitters: Uncertain significance (3); Likely benign (1). 1 of the submissions does not count toward it. Last evaluated 2025-09-09.

Conditions:
Inborn genetic diseases. Identifiers: MedGen C0950123, MeSH D030342.
MORM syndrome (MORMS). Identifiers: Orphanet 75858, MedGen C1857802, MONDO:0012423, OMIM 610156.
Joubert syndrome 1 (JBTS1). Also called: CEREBELLOPARENCHYMAL DISORDER IV; Cerebellooculorenal syndrome 1. Identifiers: MedGen C4551568, MONDO:0008944, OMIM 213300.
INPP5E-related disorder. Also called: INPP5E-related condition.
Joubert syndrome. Also called: Familial aplasia of the vermis; JOUBERT-BOLTSHAUSER SYNDROME. Identifiers: Orphanet 475, MedGen C5979921, MONDO:0018772.

Allele frequency attached by ClinVar (database versions not stated): ESP Exome Variant Server 0.00008; TOPMed 0.00013; 1000 Genomes Project 30x 0.00016; gnomAD exomes 0.00001 and 0.00005; ExAC 0.00008; 1000 Genomes Project 0.00020.
gnomAD v4.1: 37 of 1,610,808 alleles (0.0023%); highest among the groups gnomAD compares: African/African-American, 0.048%; no homozygotes.

Submissions (5):

Ambry Genetics
Classification: Likely benign for Inborn genetic diseases. Last evaluated: 2025-09-09. Review status: criteria provided, single submitter. Criteria: Ambry Variant Classification Scheme 2023. Collection method: clinical testing. Allele origin: germline.

Fulgent Genetics
Classification: Uncertain significance for Joubert syndrome 1; MORM syndrome. Last evaluated: 2024-05-07. Review status: criteria provided, single submitter. Criteria: ACMG Guidelines, 2015. Collection method: clinical testing. Allele origin: germline.

Labcorp Genetics (formerly Invitae), Labcorp
Classification: Uncertain significance for Joubert syndrome. Last evaluated: 2022-07-06. Review status: criteria provided, single submitter. Criteria: Invitae Variant Classification Sherloc (09022015). Collection method: clinical testing. Allele origin: germline.
Comment: This sequence change replaces tyrosine, which is neutral and polar, with phenylalanine, which is neutral and non-polar, at codon 293 of the INPP5E protein (p.Tyr293Phe). This variant is present in population databases (rs145264797, gnomAD 0.08%). This variant has not been reported in the literature in individuals affected with INPP5E-related conditions. ClinVar contains an entry for this variant (Variation ID: 1430491). Advanced modeling of protein sequence and biophysical properties (such as structural, functional, and spatial information, amino acid conservation, physicochemical variation, residue mobility, and thermodynamic stability) performed at Invitae indicates that this missense variant is expected to disrupt INPP5E protein function. In summary, the available evidence is currently insufficient to determine the role of this variant in disease. Therefore, it has been classified as a Variant of Uncertain Significance.

Blueprint Genetics
Classification: Uncertain significance. Last evaluated: 2022-05-02. Review status: criteria provided, single submitter. Criteria: ACMG Guidelines, 2015. Collection method: clinical testing. Allele origin: germline.

PreventionGenetics, part of Exact Sciences
Classification: Uncertain significance for INPP5E-related condition. Last evaluated: 2024-03-05. Review status: no assertion criteria provided. Collection method: clinical testing. Allele origin: germline. Not counted in ClinVar's aggregate classification.
Comment: The INPP5E c.878A>T variant is predicted to result in the amino acid substitution p.Tyr293Phe. To our knowledge, this variant has not been reported in the literature. This variant is reported in 0.077% of alleles in individuals of African descent in gnomAD, which may be too common to be an unreported cause of disease. Although we suspect that this variant may be benign, at this time the clinical significance of this variant is uncertain due to the absence of conclusive functional and genetic evidence.

NM_019892.6(INPP5E):c.878A>T (p.Tyr293Phe)

Gene: INPP5E (inositol polyphosphate-5-phosphatase E; minus strand). Cytogenetic location: 9q34.3.
Variant type: single nucleotide variant.
Coding change: c.878A>T on transcript NM_019892.6 (MANE Select); coding-DNA position 878, A replaced by T.
Protein change: p.Tyr293Phe; replaces tyrosine 293 with phenylalanine.
Molecular consequence: missense variant.
Genome position (GRCh38, 1-based): chr9:136,434,798, T>A on the plus strand (A>T on the coding strand, the complement: INPP5E is on the minus strand). VCF-style: chr9-136434798-T-A. GRCh37 (hg19) VCF-style: chr9-139329250-T-A.
Other names: c.878A>T (NM_019892.4, NM_019892.5); c.878A>T, p.Tyr293Phe (NM_001318502.2); short protein forms Y293F.
Identifiers: ClinVar variation 1430491 (VCV001430491.11), dbSNP rs145264797, ClinGen allele CA5337045.